The following is an entry in ClinVar:

NM_001009944.3(PKD1):c.7605C>A (p.Tyr2535Ter)

Gene: PKD1 (polycystin 1, transient receptor potential channel interacting; minus strand). Cytogenetic location: 16p13.3.
Variant type: single nucleotide variant.
Coding change: c.7605C>A on transcript NM_001009944.3 (MANE Select); coding-DNA position 7605, C replaced by A.
Protein change: p.Tyr2535Ter; replaces tyrosine 2535 with a stop codon.
Molecular consequence: nonsense.
Genome position (GRCh38, 1-based): chr16:2,106,189, G>T on the plus strand (C>A on the coding strand, the complement: PKD1 is on the minus strand). VCF-style: chr16-2106189-G-T. GRCh37 (hg19) VCF-style: chr16-2156190-G-T.
Other names: c.7605C>A, p.Tyr2535Ter (NM_000296.4); short protein forms Y2535*.
Identifiers: ClinVar variation 3382226 (VCV003382226.2).

ClinVar aggregate classification (germline): Likely pathogenic (1 of 4 stars; one submission).

Conditions:
Polycystic kidney disease, adult type (PKD1). Also called: POLYCYSTIC KIDNEY DISEASE, ADULT, TYPE I; Polycystic Kidney Disease 1, Autosomal Dominant; Polycystic kidney disease 1; Polycystic kidney disease 1, severe; Polycystic Kidney, Autosomal Dominant; POLYCYSTIC KIDNEY DISEASE 1 WITH OR WITHOUT POLYCYSTIC LIVER DISEASE. Identifiers: MedGen C3149841, MONDO:0008263, OMIM 173900.

Submission:

Juno Genomics, Hangzhou Juno Genomics, Inc
Classification: Likely pathogenic for Polycystic kidney disease, adult type. Review status: criteria provided, single submitter. Criteria: ACMG Guidelines, 2015. Collection method: clinical testing. Allele origin: germline. Affected: yes.
Comment: Absent from controls (or at extremely low frequency if recessive) in Genome Aggregation Database, Exome Sequencing Project, 1000 Genomes Project, or Exome Aggregation Consortium.;Null variant in a gene where loss of function (LOF) is a known mechanism of disease.